The following is an entry in ClinVar:

ClinVar aggregate classification (germline): Uncertain significance. Review status: criteria provided, multiple submitters, no conflicts (2 of 4 stars). 2 submissions from 2 submitters: Uncertain significance (2). Last evaluated 2025-09-15.

Conditions:
Cardiovascular phenotype. Identifiers: MedGen CN230736.
Arrhythmogenic cardiomyopathy with wooly hair and keratoderma. Also called: PALMOPLANTAR KERATODERMA WITH LEFT VENTRICULAR CARDIOMYOPATHY AND WOOLLY HAIR; Carvajal syndrome; Dilated cardiomyopathy with woolly hair and keratoderma; Arrhythmogenic cardiomyopathy with woolly hair and keratoderma. Identifiers: Orphanet 65282, MedGen C1854063, MONDO:0011581, OMIM 605676.
Arrhythmogenic right ventricular dysplasia 8 (ARVD8). Also called: Arrhythmogenic Right Ventricular Dysplasia/Cardiomyopathy 8; ARRHYTHMOGENIC RIGHT VENTRICULAR DYSPLASIA, FAMILIAL, 8; ARRHYTHMOGENIC RIGHT VENTRICULAR CARDIOMYOPATHY 8. Identifiers: MedGen C1843896, MONDO:0011831, OMIM 607450.

gnomAD v4.1: 1 of 1,613,352 alleles (0.000062%); highest among the groups gnomAD compares: Non-Finnish European, 0.000085%; no homozygotes.

Submissions (2):

Labcorp Genetics (formerly Invitae), Labcorp
Classification: Uncertain significance for Arrhythmogenic cardiomyopathy with wooly hair and keratoderma; Arrhythmogenic right ventricular dysplasia 8. Last evaluated: 2025-09-15. Review status: criteria provided, single submitter. Criteria: Invitae Variant Classification Sherloc (09022015). Collection method: clinical testing. Allele origin: germline.
Comment: This sequence change replaces aspartic acid, which is acidic and polar, with glycine, which is neutral and non-polar, at codon 998 of the DSP protein (p.Asp998Gly). This variant is present in population databases (no rsID available, gnomAD 0.007%). This variant has not been reported in the literature in individuals affected with DSP-related conditions. ClinVar contains an entry for this variant (Variation ID: 3842697). An algorithm developed to predict the effect of missense changes on protein structure and function (PolyPhen-2) suggests that this variant is likely to be tolerated. In summary, the available evidence is currently insufficient to determine the role of this variant in disease. Therefore, it has been classified as a Variant of Uncertain Significance.

Ambry Genetics
Classification: Uncertain significance for Cardiovascular phenotype. Last evaluated: 2025-01-28. Review status: criteria provided, single submitter. Criteria: Ambry Variant Classification Scheme 2023. Collection method: clinical testing. Allele origin: germline.
Comment: The p.D998G variant (also known as c.2993A>G), located in coding exon 22 of the DSP gene, results from an A to G substitution at nucleotide position 2993. The aspartic acid at codon 998 is replaced by glycine, an amino acid with similar properties. This amino acid position is conserved. In addition, this alteration is predicted to be tolerated by in silico analysis. Based on the available evidence, the clinical significance of this variant remains unclear.

NM_004415.4(DSP):c.2993A>G (p.Asp998Gly)

Gene: DSP (desmoplakin; plus strand). Cytogenetic location: 6p24.3.
Variant type: single nucleotide variant.
Coding change: c.2993A>G on transcript NM_004415.4 (MANE Select); coding-DNA position 2993, A replaced by G.
Protein change: p.Asp998Gly; replaces aspartic acid 998 with glycine.
Molecular consequence: missense variant.
Genome position (GRCh38, 1-based): chr6:7,578,471, A>G. VCF-style: chr6-7578471-A-G. GRCh37 (hg19) VCF-style: chr6-7578704-A-G.
Other names: c.2993A>G, p.Asp998Gly (NM_001008844.3, NM_001319034.2); short protein forms D998G.
Identifiers: ClinVar variation 3842697 (VCV003842697.2).
Genomic context (GRCh38, chr6:7,578,471, plus strand): 5'-GACTTTTTTTTTAATGCAATATCTTTTTCTTTCTTTCCTTCCTTTTCTCCAAGGCTGCAG[A>G]TGTTCATGCTCGGTACATTGAACTACTTACAAGATCTGGAGACTATTACAGGTTCTTAAG-3'
Protein context (NP_004406.2, residues 988-1008): PSGVILQEAA[Asp998Gly]VHARYIELLT